The following is an entry in ClinVar:

NM_016464.5(TMEM138):c.461G>A (p.Arg154His)

Gene: TMEM138 (transmembrane protein 138; plus strand). Cytogenetic location: 11q12.2.
Variant type: single nucleotide variant.
Coding change: c.461G>A on transcript NM_016464.5 (MANE Select); coding-DNA position 461, G replaced by A.
Protein change: p.Arg154His; replaces arginine 154 with histidine.
Molecular consequence: missense variant. On other transcripts: non-coding transcript variant (1).
Genome position (GRCh38, 1-based): chr11:61,368,681, G>A. VCF-style: chr11-61368681-G-A. GRCh37 (hg19) VCF-style: chr11-61136153-G-A.
Other names: c.287G>A, p.Arg96His (NM_001330281.2); short protein forms R154H, R96H.
Identifiers: ClinVar variation 570566 (VCV000570566.8), dbSNP rs147966742, ClinGen allele CA6034668.

ClinVar aggregate classification (germline): Conflicting classifications of pathogenicity. Review status: criteria provided, conflicting classifications (1 of 4 stars). 4 submissions from 4 submitters: Uncertain significance (2); Likely benign (2). Last evaluated 2024-08-20.

Conditions:
Joubert syndrome 16 (JBTS16). Identifiers: Orphanet 2318, MedGen C3280906, MONDO:0013764, OMIM 614465.

Allele frequency attached by ClinVar (database versions not stated): ExAC 0.00021; ESP Exome Variant Server 0.00046; TOPMed 0.00056; gnomAD 0.00059; 1000 Genomes Project 0.00080; 1000 Genomes Project 30x 0.00094.
gnomAD v4.1: 176 of 1,613,926 alleles (0.011%); highest among the groups gnomAD compares: African/African-American, 0.17%; 1 homozygote.

Submissions (4):

GeneDx
Classification: Uncertain significance. Last evaluated: 2024-08-20. Review status: criteria provided, single submitter. Criteria: GeneDx Variant Classification Process June 2021. Collection method: clinical testing. Allele origin: germline. Affected: yes.
Comment: In silico analysis supports that this missense variant has a deleterious effect on protein structure/function; Has not been previously published as pathogenic or benign to our knowledge; This variant is associated with the following publications: (PMID: 22282472)

Blueprint Genetics
Classification: Likely benign. Last evaluated: 2024-06-18. Review status: criteria provided, single submitter. Criteria: ACMG Guidelines, 2015. Collection method: clinical testing. Allele origin: germline.

Fulgent Genetics
Classification: Likely benign for Joubert syndrome 16. Last evaluated: 2024-02-21. Review status: criteria provided, single submitter. Criteria: ACMG Guidelines, 2015. Collection method: clinical testing. Allele origin: germline.

Labcorp Genetics (formerly Invitae), Labcorp
Classification: Uncertain significance for Joubert syndrome 16. Last evaluated: 2023-11-27. Review status: criteria provided, single submitter. Criteria: Invitae Variant Classification Sherloc (09022015). Collection method: clinical testing. Allele origin: germline.
Comment: This sequence change replaces arginine, which is basic and polar, with histidine, which is basic and polar, at codon 154 of the TMEM138 protein (p.Arg154His). This variant is present in population databases (rs147966742, gnomAD 0.2%). This variant has not been reported in the literature in individuals affected with TMEM138-related conditions. ClinVar contains an entry for this variant (Variation ID: 570566). An algorithm developed to predict the effect of missense changes on protein structure and function (PolyPhen-2) suggests that this variant¬†is likely to be tolerated. In summary, the available evidence is currently insufficient to determine the role of this variant in disease. Therefore, it has been classified as a Variant of Uncertain Significance.